The following is an entry in ClinVar:

ClinVar aggregate classification (germline): Likely benign (1 of 4 stars; one submission).

Submission:

CeGaT Center for Human Genetics Tuebingen
Classification: Likely benign. Last evaluated: 2024-09-01. Review status: criteria provided, single submitter. Criteria: CeGaT Center For Human Genetics Tuebingen Variant Classification Criteria Version 2. Collection method: clinical testing. Allele origin: germline. Affected: yes. Observed: 1 variant allele.
Comment: PCYT2: BP4, BP7

NM_002861.5(PCYT2):c.58A>C (p.Arg20=)

Genes: PCYT2 (phosphate cytidylyltransferase 2, ethanolamine; minus strand), LOC130061984 (ATAC-STARR-seq lymphoblastoid silent region 9166; plus strand). Cytogenetic location: 17q25.3.
Variant type: single nucleotide variant.
Coding change: c.58A>C on transcript NM_002861.5 (MANE Select); coding-DNA position 58, A replaced by C.
Protein change: p.Arg20=; no amino-acid change (arginine 20 retained).
Molecular consequence: synonymous variant. On other transcripts: 5 prime UTR variant (2).
Genome position (GRCh38, 1-based): chr17:81,911,298, T>G on the plus strand (A>C on the coding strand, the complement: PCYT2 is on the minus strand). VCF-style: chr17-81911298-T-G. GRCh37 (hg19) VCF-style: chr17-79869174-T-G.
Other names: c.58A>C, p.Arg20= (NM_001184917.3, NM_001256433.3, NM_001330518.2); c.-118A>C (NM_001256434.3); c.-461A>C (NM_001256435.3).
Identifiers: ClinVar variation 3388597 (VCV003388597.14).